The following is an entry in ClinVar:

NM_030667.3(PTPRO):c.1085A>G (p.His362Arg)

Gene: PTPRO (protein tyrosine phosphatase receptor type O; plus strand). Cytogenetic location: 12p12.3.
Variant type: single nucleotide variant.
Coding change: c.1085A>G on transcript NM_030667.3 (MANE Select); coding-DNA position 1085, A replaced by G.
Protein change: p.His362Arg; replaces histidine 362 with arginine.
Molecular consequence: missense variant.
Genome position (GRCh38, 1-based): chr12:15,502,043, A>G. VCF-style: chr12-15502043-A-G. GRCh37 (hg19) VCF-style: chr12-15654977-A-G.
Other names: c.1085A>G, p.His362Arg (NM_002848.4); short protein forms H362R.
Identifiers: ClinVar variation 1517987 (VCV001517987.6), dbSNP rs141042273, ClinGen allele CA6466411.
Genomic context (GRCh38, chr12:15,502,043, plus strand): 5'-CTGTGCAAATGATATTGACCTGGTTACCACCCAAACCACCCACTGCTTTTGATGGGTTCC[A>G]TATCCATATTGAACGAGAAGGTAAAGCAGTAGGAAATCAGAGGAAATAAGAACTGATACA-3'
Protein context (NP_109592.1, residues 352-372): PKPPTAFDGF[His362Arg]IHIEREENFT

ClinVar aggregate classification (germline): Uncertain significance. Review status: criteria provided, multiple submitters, no conflicts (2 of 4 stars). 2 submissions from 2 submitters: Uncertain significance (2). Last evaluated 2026-01-12.

Conditions:
Nephrotic syndrome, type 6 (NPHS6). Identifiers: Orphanet 656, MedGen C3280100, MONDO:0013619, OMIM 614196.

Allele frequency attached by ClinVar (database versions not stated): 1000 Genomes Project 0.00020; 1000 Genomes Project 30x 0.00031; gnomAD 0.00046 and 0.00050; TOPMed 0.00049; ExAC 0.00057; ESP Exome Variant Server 0.00069; gnomAD exomes 0.00079.

Submissions (2):

Labcorp Genetics (formerly Invitae), Labcorp
Classification: Uncertain significance. Last evaluated: 2026-01-12. Review status: criteria provided, single submitter. Criteria: Invitae Variant Classification Sherloc (09022015). Collection method: clinical testing. Allele origin: germline.
Comment: This sequence change replaces histidine, which is basic and polar, with arginine, which is basic and polar, at codon 362 of the PTPRO protein (p.His362Arg). This variant is present in population databases (rs141042273, gnomAD 0.09%), and has an allele count higher than expected for a pathogenic variant. This variant has not been reported in the literature in individuals affected with PTPRO-related conditions. ClinVar contains an entry for this variant (Variation ID: 1517987). An algorithm developed to predict the effect of missense changes on protein structure and function (PolyPhen-2) suggests that this variant is likely to be tolerated. In summary, the available evidence is currently insufficient to determine the role of this variant in disease. Therefore, it has been classified as a Variant of Uncertain Significance.

Fulgent Genetics
Classification: Uncertain significance for Nephrotic syndrome, type 6. Last evaluated: 2024-02-07. Review status: criteria provided, single submitter. Criteria: ACMG Guidelines, 2015. Collection method: clinical testing. Allele origin: germline.